The following is an entry in ClinVar:

NM_017654.4(SAMD9):c.383T>C (p.Met128Thr)

Gene: SAMD9 (sterile alpha motif domain containing 9; minus strand). Cytogenetic location: 7q21.2.
Variant type: single nucleotide variant.
Coding change: c.383T>C on transcript NM_017654.4 (MANE Select); coding-DNA position 383, T replaced by C.
Protein change: p.Met128Thr; replaces methionine 128 with threonine.
Molecular consequence: missense variant.
Genome position (GRCh38, 1-based): chr7:93,105,715, A>G on the plus strand (T>C on the coding strand, the complement: SAMD9 is on the minus strand). VCF-style: chr7-93105715-A-G. GRCh37 (hg19) VCF-style: chr7-92735028-A-G.
Other names: c.383T>C, p.Met128Thr (NM_001193307.2); short protein forms M128T.
Identifiers: ClinVar variation 4863829 (VCV004863829.1).

ClinVar aggregate classification (germline): Uncertain significance (1 of 4 stars; one submission).

Conditions:
Inborn genetic diseases. Identifiers: MedGen C0950123, MeSH D030342.

Submission:

Ambry Genetics
Classification: Uncertain significance for Inborn genetic diseases. Last evaluated: 2026-04-22. Review status: criteria provided, single submitter. Criteria: Ambry Variant Classification Scheme 2023. Collection method: clinical testing. Allele origin: germline.
Comment: The p.M128T variant (also known as c.383T>C), located in coding exon 1 of the SAMD9 gene, results from a T to C substitution at nucleotide position 383. The methionine at codon 128 is replaced by threonine, an amino acid with similar properties. This amino acid position is conserved. In addition, this alteration is predicted to be tolerated by in silico analysis. Based on the available evidence, the clinical significance of this variant remains unclear.